The following is an entry in ClinVar:

ClinVar aggregate classification (germline): Uncertain significance. Review status: criteria provided, multiple submitters, no conflicts (2 of 4 stars). 2 submissions from 2 submitters: Uncertain significance (2). Last evaluated 2025-03-17.

Allele frequency attached by ClinVar (database versions not stated): ExAC below 0.00001; gnomAD exomes below 0.00001; gnomAD 0.00001; TOPMed 0.00001.
gnomAD v4.1: 7 of 1,578,078 alleles (0.00044%); highest among the groups gnomAD compares: East Asian, 0.0092%; no homozygotes.

Submissions (2):

Labcorp Genetics (formerly Invitae), Labcorp
Classification: Uncertain significance. Last evaluated: 2025-03-17. Review status: criteria provided, single submitter. Criteria: Invitae Variant Classification Sherloc (09022015). Collection method: clinical testing. Allele origin: germline.
Comment: This sequence change replaces arginine, which is basic and polar, with glutamine, which is neutral and polar, at codon 216 of the CABP4 protein (p.Arg216Gln). The frequency data for this variant in the population databases is considered unreliable, as metrics indicate poor data quality at this position in the gnomAD database. This variant has not been reported in the literature in individuals affected with CABP4-related conditions. ClinVar contains an entry for this variant (Variation ID: 940297). Invitae Evidence Modeling of protein sequence and biophysical properties (such as structural, functional, and spatial information, amino acid conservation, physicochemical variation, residue mobility, and thermodynamic stability) indicates that this missense variant is not expected to disrupt CABP4 protein function with a negative predictive value of 80%. In summary, the available evidence is currently insufficient to determine the role of this variant in disease. Therefore, it has been classified as a Variant of Uncertain Significance.

Blueprint Genetics
Classification: Uncertain significance. Last evaluated: 2022-01-11. Review status: criteria provided, single submitter. Criteria: ACMG Guidelines, 2015. Collection method: clinical testing. Allele origin: germline.

NM_145200.5(CABP4):c.647G>A (p.Arg216Gln)

Gene: CABP4 (calcium binding protein 4; plus strand). Cytogenetic location: 11q13.2.
Variant type: single nucleotide variant.
Coding change: c.647G>A on transcript NM_145200.5 (MANE Select); coding-DNA position 647, G replaced by A.
Protein change: p.Arg216Gln; replaces arginine 216 with glutamine.
Molecular consequence: missense variant. On other transcripts: non-coding transcript variant (1).
Genome position (GRCh38, 1-based): chr11:67,457,678, G>A. VCF-style: chr11-67457678-G-A. GRCh37 (hg19) VCF-style: chr11-67225149-G-A.
Other names: c.332G>A, p.Arg111Gln (NM_001300895.3, NM_001300896.3, NM_001379183.1); short protein forms R111Q, R216Q.
Identifiers: ClinVar variation 940297 (VCV000940297.10), dbSNP rs765324439, ClinGen allele CA6140300.